The following is an entry in ClinVar:

NM_006231.4(POLE):c.4909C>T (p.Leu1637Phe)

Gene: POLE (DNA polymerase epsilon, catalytic subunit; minus strand). Cytogenetic location: 12q24.33.
Variant type: single nucleotide variant.
Coding change: c.4909C>T on transcript NM_006231.4 (MANE Select); coding-DNA position 4909, C replaced by T.
Protein change: p.Leu1637Phe; replaces leucine 1637 with phenylalanine.
Molecular consequence: missense variant.
Genome position (GRCh38, 1-based): chr12:132,642,549, G>A on the plus strand (C>T on the coding strand, the complement: POLE is on the minus strand). VCF-style: chr12-132642549-G-A. GRCh37 (hg19) VCF-style: chr12-133219135-G-A.
Other names: c.4909C>T (NM_006231.2); short protein forms L1637F.
Identifiers: ClinVar variation 1428521 (VCV001428521.7), dbSNP rs2138534066, ClinGen allele CA387377945.

ClinVar aggregate classification (germline): Uncertain significance. Review status: criteria provided, multiple submitters, no conflicts (2 of 4 stars). 2 submissions from 2 submitters: Uncertain significance (2). Last evaluated 2024-05-23.

Conditions:
Hereditary cancer-predisposing syndrome. Also called: Tumor predisposition; Hereditary neoplastic syndrome; Neoplastic Syndromes, Hereditary; Hereditary Cancer Syndrome. Identifiers: Orphanet 140162, MedGen C0027672, MeSH D009386, MONDO:0015356.

Submissions (2):

Labcorp Genetics (formerly Invitae), Labcorp
Classification: Uncertain significance. Last evaluated: 2024-05-23. Review status: criteria provided, single submitter. Criteria: Invitae Variant Classification Sherloc (09022015). Collection method: clinical testing. Allele origin: germline.
Comment: This sequence change replaces leucine, which is neutral and non-polar, with phenylalanine, which is neutral and non-polar, at codon 1637 of the POLE protein (p.Leu1637Phe). This variant is not present in population databases (gnomAD no frequency). This variant has not been reported in the literature in individuals affected with POLE-related conditions. ClinVar contains an entry for this variant (Variation ID: 1428521). Advanced modeling of protein sequence and biophysical properties (such as structural, functional, and spatial information, amino acid conservation, physicochemical variation, residue mobility, and thermodynamic stability) performed at Invitae indicates that this missense variant is not expected to disrupt POLE protein function with a negative predictive value of 80%. In summary, the available evidence is currently insufficient to determine the role of this variant in disease. Therefore, it has been classified as a Variant of Uncertain Significance.

Ambry Genetics
Classification: Uncertain significance for Hereditary cancer-predisposing syndrome. Last evaluated: 2023-04-28. Review status: criteria provided, single submitter. Criteria: Ambry Variant Classification Scheme 2023. Collection method: clinical testing. Allele origin: germline.
Comment: The p.L1637F variant (also known as c.4909C>T), located in coding exon 37 of the POLE gene, results from a C to T substitution at nucleotide position 4909. The leucine at codon 1637 is replaced by phenylalanine, an amino acid with highly similar properties. This amino acid position is conserved. In addition, the in silico prediction for this alteration is inconclusive. Since supporting evidence is limited at this time, the clinical significance of this alteration remains unclear.